The following is an entry in ClinVar:

ClinVar aggregate classification (germline): Uncertain significance (1 of 4 stars; one submission).

Submission:

Ambry Genetics
Classification: Uncertain significance. Last evaluated: 2025-11-15. Review status: criteria provided, single submitter. Criteria: Ambry Variant Classification Scheme 2023. Collection method: clinical testing. Allele origin: germline.
Comment: The p.V1225M variant (also known as c.3673G>A), located in coding exon 33 of the KIF1B gene, results from a G to A substitution at nucleotide position 3673. The valine at codon 1225 is replaced by methionine, an amino acid with highly similar properties. This amino acid position is conserved. In addition, this alteration is predicted to be tolerated by in silico analysis. Since supporting evidence is limited at this time, the clinical significance of this alteration remains unclear.

NM_001365951.3(KIF1B):c.3811G>A (p.Val1271Met)

Gene: KIF1B (kinesin family member 1B; plus strand). Cytogenetic location: 1p36.22.
Variant type: single nucleotide variant.
Coding change: c.3811G>A on transcript NM_001365951.3 (MANE Select); coding-DNA position 3811, G replaced by A.
Protein change: p.Val1271Met; replaces valine 1271 with methionine.
Molecular consequence: missense variant.
Genome position (GRCh38, 1-based): chr1:10,347,774, G>A. VCF-style: chr1-10347774-G-A. GRCh37 (hg19) VCF-style: chr1-10407832-G-A.
Other names: c.3811G>A, p.Val1271Met (NM_001365952.1); c.3673G>A, p.Val1225Met (NM_015074.3); short protein forms V1271M, V1225M.
Identifiers: ClinVar variation 1733814 (VCV001733814.3), dbSNP rs2521791731, ClinGen allele CA338343076.
Genomic context (GRCh38, chr1:10,347,774, plus strand): 5'-CAGATGAAGTAGCACTTAGTTTTTTCTTTTGCGTTTCTATTTTTTAGGTATATCCCAGCT[G>A]TGGTTGACCACACAGCAGGCTTGCCTTGCCAGGGGACATTTTTGCTTCATCAGGTACTAA-3'
Protein context (NP_001352880.1, residues 1261-1281): LEPTGEYIPA[Val1271Met]VDHTAGLPCQ